The following is an entry in ClinVar:

NM_004260.4(RECQL4):c.3062G>C (p.Arg1021Pro)

Gene: RECQL4 (RecQ like helicase 4; minus strand). Cytogenetic location: 8q24.3.
Variant type: single nucleotide variant.
Coding change: c.3062G>C on transcript NM_004260.4 (MANE Select); coding-DNA position 3062, G replaced by C.
Protein change: p.Arg1021Pro; replaces arginine 1021 with proline.
Molecular consequence: missense variant.
Genome position (GRCh38, 1-based): chr8:144,512,318, C>G on the plus strand (G>C on the coding strand, the complement: RECQL4 is on the minus strand). VCF-style: chr8-144512318-C-G. GRCh37 (hg19) VCF-style: chr8-145737701-C-G.
Other names: short protein forms R1021P.
Identifiers: ClinVar variation 459456 (VCV000459456.6), dbSNP rs34666647, ClinGen allele CA4947940.

ClinVar aggregate classification (germline): Uncertain significance. Review status: criteria provided, multiple submitters, no conflicts (2 of 4 stars). 2 submissions from 2 submitters: Uncertain significance (2). Last evaluated 2024-03-27.

Conditions:
Baller-Gerold syndrome (BGS). Also called: CRANIOSYNOSTOSIS WITH RADIAL DEFECTS. Identifiers: Orphanet 1225, MedGen C0265308, MONDO:0009039, OMIM 218600.

Allele frequency attached by ClinVar (database versions not stated): TOPMed 0.00006.

Submissions (2):

GeneDx
Classification: Uncertain significance. Last evaluated: 2024-03-27. Review status: criteria provided, single submitter. Criteria: GeneDx Variant Classification Process June 2021. Collection method: clinical testing. Allele origin: germline. Affected: yes.
Comment: In silico analysis supports that this missense variant does not alter protein structure/function; Has not been previously published as pathogenic or benign to our knowledge; This variant is associated with the following publications: (PMID: 32139749)

Labcorp Genetics (formerly Invitae), Labcorp
Classification: Uncertain significance for Baller-Gerold syndrome. Last evaluated: 2024-02-02. Review status: criteria provided, single submitter. Criteria: Invitae Variant Classification Sherloc (09022015). Collection method: clinical testing. Allele origin: germline.
Comment: This sequence change replaces arginine, which is basic and polar, with proline, which is neutral and non-polar, at codon 1021 of the RECQL4 protein (p.Arg1021Pro). This variant is present in population databases (rs34666647, gnomAD 0.008%). This variant has not been reported in the literature in individuals affected with RECQL4-related conditions. ClinVar contains an entry for this variant (Variation ID: 459456). Advanced modeling of protein sequence and biophysical properties (such as structural, functional, and spatial information, amino acid conservation, physicochemical variation, residue mobility, and thermodynamic stability) performed at Invitae indicates that this missense variant is not expected to disrupt RECQL4 protein function with a negative predictive value of 80%. In summary, the available evidence is currently insufficient to determine the role of this variant in disease. Therefore, it has been classified as a Variant of Uncertain Significance.